The following is an entry in ClinVar:

ClinVar aggregate classification (germline): Uncertain significance (1 of 4 stars; one submission).

Conditions:
Mucolipidosis type IV (ML4). Also called: ML IV. Identifiers: Orphanet 578, MedGen C0238286, MONDO:0009653, OMIM 252650.

Submission:

Labcorp Genetics (formerly Invitae), Labcorp
Classification: Uncertain significance for Mucolipidosis type IV. Last evaluated: 2022-02-04. Review status: criteria provided, single submitter. Criteria: Invitae Variant Classification Sherloc (09022015). Collection method: clinical testing. Allele origin: germline.
Comment: A copy number gain of the genomic region encompassing the full coding sequence of the MCOLN1 gene has been identified. The boundaries of this event are unknown as they extend beyond the assayed region for this gene and therefore may encompass additional genes. As the precise location of this event is unknown, it may be in tandem or it may be located elsewhere in the genome. This variant has not been reported in the literature in individuals affected with MCOLN1-related conditions. In summary, the available evidence is currently insufficient to determine the role of this variant in disease. Therefore, it has been classified as a Variant of Uncertain Significance.

NC_000019.9:g.(?_7586521)_(8670595_?)dup

Genes: ADAMTS10 (ADAM metallopeptidase with thrombospondin type 1 motif 10; minus strand), ANGPTL4 (angiopoietin like 4; plus strand), CAMSAP3 (calmodulin regulated spectrin associated protein family member 3; plus strand), CCL25 (C-C motif chemokine ligand 25; plus strand), CD209 (CD209 molecule; minus strand) and 32 more. Cytogenetic location: 19p13.2.
Variant type: Duplication.
Identifiers: ClinVar variation 2426563 (VCV002426563.2).